The following is an entry in ClinVar:

ClinVar aggregate classification (germline): Pathogenic. Review status: criteria provided, multiple submitters, no conflicts (2 of 4 stars). 2 submissions from 2 submitters: Pathogenic (2). Last evaluated 2021-12-15.

Conditions:
Hereditary cancer-predisposing syndrome. Also called: Neoplastic Syndromes, Hereditary; Tumor predisposition; Hereditary Cancer Syndrome; Hereditary neoplastic syndrome. Identifiers: Orphanet 140162, MedGen C0027672, MeSH D009386, MONDO:0015356.

Submissions (2):

Ambry Genetics
Classification: Pathogenic for Hereditary cancer-predisposing syndrome. Last evaluated: 2021-12-15. Review status: criteria provided, single submitter. Criteria: Ambry Variant Classification Scheme 2023. Collection method: clinical testing. Allele origin: germline.
Comment: The p.E1234* pathogenic mutation (also known as c.3700G>T), located in coding exon 8 of the MSH6 gene, results from a G to T substitution at nucleotide position 3700. This changes the amino acid from a glutamic acid to a stop codon within coding exon 8. This alteration is expected to result in loss of function by premature protein truncation or nonsense-mediated mRNA decay. As such, this alteration is interpreted as a disease-causing mutation.

Color Diagnostics, LLC DBA Color Health
Classification: Pathogenic for Hereditary cancer-predisposing syndrome. Last evaluated: 2020-01-15. Review status: criteria provided, single submitter. Criteria: ACMG Guidelines, 2015. Collection method: clinical testing. Allele origin: germline.
Comment: This variant changes 1 nucleotide in exon 8 of the MSH6 gene, creating a premature translation stop signal. This variant is expected to result in an absent or non-functional protein product. This variant has not been identified in the general population by the Genome Aggregation Database (gnomAD). Loss of MSH6 function is a known mechanism of disease. Based on the available evidence, this variant is classified as Pathogenic.

NM_000179.3(MSH6):c.3700G>T (p.Glu1234Ter)

Gene: MSH6 (mutS homolog 6; plus strand). Cytogenetic location: 2p16.3.
Variant type: single nucleotide variant.
Coding change: c.3700G>T on transcript NM_000179.3 (MANE Select); coding-DNA position 3700, G replaced by T.
Protein change: p.Glu1234Ter; replaces glutamic acid 1234 with a stop codon.
Molecular consequence: nonsense.
Genome position (GRCh38, 1-based): chr2:47,806,257, G>T. VCF-style: chr2-47806257-G-T. GRCh37 (hg19) VCF-style: chr2-48033396-G-T.
Other names: c.3310G>T, p.Glu1104Ter (NM_001281492.2); c.2794G>T, p.Glu932Ter (NM_001281493.2, NM_001281494.2); short protein forms E1234*, E1104*, E932*.
Identifiers: ClinVar variation 923283 (VCV000923283.5), dbSNP rs35717727, ClinGen allele CA346760978.